The following is an entry in ClinVar:

ClinVar aggregate classification (germline): Uncertain significance (1 of 4 stars; one submission).

Submission:

Labcorp Genetics (formerly Invitae), Labcorp
Classification: Uncertain significance. Last evaluated: 2022-07-12. Review status: criteria provided, single submitter. Criteria: Invitae Variant Classification Sherloc (09022015). Collection method: clinical testing. Allele origin: germline.
Comment: In summary, the available evidence is currently insufficient to determine the role of this variant in disease. Therefore, it has been classified as a Variant of Uncertain Significance. Algorithms developed to predict the effect of missense changes on protein structure and function (SIFT, PolyPhen-2, Align-GVGD) all suggest that this variant is likely to be tolerated. This variant has not been reported in the literature in individuals affected with SLC39A8-related conditions. This variant is not present in population databases (gnomAD no frequency). This sequence change replaces methionine, which is neutral and non-polar, with isoleucine, which is neutral and non-polar, at codon 55 of the SLC39A8 protein (p.Met55Ile).

NM_001135146.2(SLC39A8):c.165G>T (p.Met55Ile)

Gene: SLC39A8 (solute carrier family 39 member 8; minus strand). Cytogenetic location: 4q24.
Variant type: single nucleotide variant.
Coding change: c.165G>T on transcript NM_001135146.2 (MANE Select); coding-DNA position 165, G replaced by T.
Protein change: p.Met55Ile; replaces methionine 55 with isoleucine.
Molecular consequence: missense variant.
Genome position (GRCh38, 1-based): chr4:102,344,498, C>A on the plus strand (G>T on the coding strand, the complement: SLC39A8 is on the minus strand). VCF-style: chr4-102344498-C-A. GRCh37 (hg19) VCF-style: chr4-103265655-C-A.
Other names: c.165G>T, p.Met55Ile (NM_001135147.1, NM_022154.5); short protein forms M55I.
Identifiers: ClinVar variation 2065103 (VCV002065103.4), dbSNP rs2476524323, ClinGen allele CA357956776.